The following is an entry in ClinVar:

NM_001271.4(CHD2):c.1497G>C (p.Trp499Cys)

Gene: CHD2 (chromodomain helicase DNA binding protein 2; plus strand). Cytogenetic location: 15q26.1.
Variant type: single nucleotide variant.
Coding change: c.1497G>C on transcript NM_001271.4 (MANE Select); coding-DNA position 1497, G replaced by C.
Protein change: p.Trp499Cys; replaces tryptophan 499 with cysteine.
Molecular consequence: missense variant.
Genome position (GRCh38, 1-based): chr15:92,949,071, G>C. VCF-style: chr15-92949071-G-C. GRCh37 (hg19) VCF-style: chr15-93492301-G-C.
Other names: c.1497G>C, p.Trp499Cys (NM_001042572.3); short protein forms W499C.
Identifiers: ClinVar variation 1803392 (VCV001803392.2), dbSNP rs2505468875, ClinGen allele CA393904430.

ClinVar aggregate classification (germline): Uncertain significance (1 of 4 stars; one submission).

Submission:

GeneDx
Classification: Uncertain significance. Last evaluated: 2023-02-09. Review status: criteria provided, single submitter. Criteria: GeneDx Variant Classification Process June 2021. Collection method: clinical testing. Allele origin: germline.
Comment: Not observed at significant frequency in large population cohorts (gnomAD); In silico analysis supports that this missense variant has a deleterious effect on protein structure/function; Has not been previously published as pathogenic or benign to our knowledge